The following continues an entry in ClinVar:

NM_024334.3(TMEM43):c.1073C>T (p.Ser358Leu)

Gene: TMEM43. ClinVar aggregate classification (germline): Pathogenic. Pathogenic (16).

Submissions 9 to 21 of 21:

Ambry Genetics
Classification: Pathogenic for Cardiovascular phenotype. Last evaluated: 2023-06-15. Review status: criteria provided, single submitter. Criteria: Ambry Variant Classification Scheme 2023. Collection method: clinical testing. Allele origin: germline.
Comment: The p.S358L pathogenic mutation (also known as c.1073C>T), located in coding exon 12 of the TMEM43 gene, results from a C to T substitution at nucleotide position 1073. The serine at codon 358 is replaced by leucine, an amino acid with dissimilar properties. This alteration has been detected in multiple individuals with known or suspected arrhythmogenic right ventricular cardiomyopathy (ARVC), has segregated with disease in multiple families, and has been reported as a Newfoundland founder mutation as well as having been reported to occur de novo. Studies of some families indicate this alteration is highly penetrant with increased risk of arrhythmia and earlier onset disease in males (Merner ND et al. Am J Hum Genet. 2008;82:809-21; Hodgkinson K et al. Genet Med. 2009;11:859-65; Christensen AH et al. Clin Genet. 2011;80:256-64; Baskin B et al. Hum Genet. 2013;132:1245-52; Bhonsale A et al. Circ Arrhythm Electrophysiol. 2013;6:569-78; Hodgkinson KA et al. Clin Genet. 2013;83:321-31; Perrin MJ et al. J Am Coll Cardiol. 2013;62:1772-9; Milting H et al. Eur Heart J. 2015;36:872-81). This variant is considered to be rare based on population cohorts in the Genome Aggregation Database (gnomAD). Based on the supporting evidence, this alteration is interpreted as a disease-causing mutation.

CeGaT Center for Human Genetics Tuebingen
Classification: Pathogenic. Last evaluated: 2022-04-01. Review status: criteria provided, single submitter. Criteria: CeGaT Center For Human Genetics Tuebingen Variant Classification Criteria Version 2. Collection method: clinical testing. Allele origin: germline. Affected: yes. Observed: 2 variant alleles.
Comment: TMEM43: PS3, PM2, PS2:Moderate, PS4:Moderate

GeneDx
Classification: Pathogenic. Last evaluated: 2022-03-29. Review status: criteria provided, single submitter. Criteria: GeneDx Variant Classification Process June 2021. Collection method: clinical testing. Allele origin: germline. Affected: yes.
Comment: Identified as a founder mutation in the Newfoundland population associated with autosomal dominant arrhythmogenic right ventricular cardiomyopathy type 5 (ARVC5), which is fully penetrant and results in a severe phenotype (Hodgkinson et al., 2013; Merner et al., 2008); Not observed in large population cohorts (gnomAD); Published transfection studies demonstrate that this variant likely affects localization and function of intercalated disc proteins, and cells expressing p.(S358L) showed slower and more irregular rhythm and reduced conduction velocity (Siragam et al., 2014); transgenic knock-in mice also partially reproduce features of ARVC/D including cardiac fibrosis (Zheng et al., 2019); In silico analysis supports that this missense variant has a deleterious effect on protein structure/function; This variant is associated with the following publications: (PMID: 29980933, 23671136, 26513349, 28491673, 24598986, 22458570, 22725725, 23810883, 26966288, 18313022, 27617087, 28960618, 29997227, 21214875, 24125834, 20010364, 30700137, 30355260, 30409740, 31567019, 32120009, 31402444, 32858485, 32062046, 25343256, 23812740, 34691145)

Loeys Lab, Universiteit Antwerpen
Classification: Pathogenic for Primary dilated cardiomyopathy. Last evaluated: 2021-02-26. Review status: criteria provided, single submitter. Criteria: ACMG Guidelines, 2015. Collection method: clinical testing. Allele origin: somatic. Affected: yes. Observed: 3 variant alleles, 3 heterozygotes.
Comment: This sequence change results in a missense variant in the TMEM43 gene (p.(Ser358Leu)). This variant is absent from population databases such as GnomAD (PM2). The variant has been described in literature before in association with ARVC and was identified as a founder mutation in the Newfoundland population. It has been detected in several unrelated individuals and has shown to segregate with ARVC within several families. In some ARVC individuals it occurred de novo (PMID: 19467449; PMID: 18313022; PMID: 21214875; PMID: 23812740; PMID: 22725725; PMID: 24598986) (PP1 strong; PM6). The variant affects a highly conserved nucleotide and is located in the third transmembrane domain of the protein (PMID: 2121487) (PM1). Prediction programs predict a pathogenic effect (PP3). Functional studies have shown that the variant results in a reduction of conduction velocity and alters the gap junction function (PMID: 25343256; PMID: 24598986)(PS3). It was reported as pathogenic by multiple reputable laboratories and databases (PP5). We identified this variant in a family with DCM, some members of the family carried an additional variant of unknown significance in the MYPN gene (c.59A>G). In conclusion this variant was classified as pathogenic according to ACMG-guidelines (PS3; PP1 strong; PM2; PM1; PM6; PP3; PP5).

Heart Center, Academic Medical Center Amsterdam
Classification: Pathogenic for Arrhythmogenic right ventricular dysplasia 5. Last evaluated: 2018-12-01. Review status: criteria provided, single submitter. Criteria: ACMG Guidelines, 2015. Collection method: research. Allele origin: unknown. Affected: yes.

Women's Health and Genetics/Laboratory Corporation of America, LabCorp
Classification: Pathogenic for Familial isolated arrhythmogenic right ventricular dysplasia. Last evaluated: 2016-07-25. Review status: criteria provided, single submitter. Criteria: LabCorp Variant Classification Summary - May 2015. Collection method: clinical testing. Allele origin: germline.
Comment: Variant summary: The TMEM43 c.1073C>T (p.Ser358Leu) variant involves the alteration of a conserved nucleotide and is located in third transmembrane domain of the protein (Christensen_2011). 4/4 in silico tools predict a damaging outcome for this variant. Functional studies have shown that the S358L mutant reduces conduction velocity, increases the stiffness cell nuclei and alters the gap junction function (Siragam_PLoS One_2014 and Milting_Eur Heart J_2015). This variant was absent in 123942 control chromosomes. This variant has been widely reported as a founder mutation in Newfoundland. From a study of 15 families from Newfoundland, median age to develop an ARVD associated phenotype was 32 years for males and 44 years for females, with 100% of males and females penetrant by 63 and 76 years, respectively (Milting_Eur Heart J_2015). Haplotype analysis revealed an estimated age of 13001500 years for the mutation, which proves the European origin of the Newfoundland mutation (Milting_Eur Heart J_2015). Haplotype analysis revealed that the mutation occurred on a different haplotype in the patient than in the patients from Newfoundland (Baskin_HG_2013). Multiple clinical diagnostic laboratories/reputable databases classified this variant as pathogenic. Taken together, this variant is classified as Pathogenic.

Stanford Center for Inherited Cardiovascular Disease, Stanford University
Classification: Pathogenic. Last evaluated: 2010-12-03. Review status: criteria provided, single submitter. Criteria: ACMG Guidelines, 2015. Collection method: provider interpretation. Allele origin: germline.

Molecular Diagnostic Laboratory for Inherited Cardiovascular Disease, Montreal Heart Institute
Classification: Pathogenic for Arrhythmogenic right ventricular cardiomyopathy. Review status: criteria provided, single submitter. Criteria: ACMG Guidelines, 2015. Collection method: clinical testing. Allele origin: germline. Affected: yes.

Agnes Ginges Centre for Molecular Cardiology, Centenary Institute
Classification: Pathogenic for Hypertrophic cardiomyopathy. Last evaluated: 2019-08-07. Review status: no assertion criteria provided. Collection method: research. Allele origin: germline. Inheritance: Autosomal dominant inheritance. Affected: yes. Not counted in ClinVar's aggregate classification.
Comment: For further information please feel free to contact us.

Laboratory for Molecular Medicine, Mass General Brigham Personalized Medicine
Classification: Pathogenic for Arrhythmogenic right ventricular cardiomyopathy. Last evaluated: 2015-04-04. Review status: no assertion criteria provided. Collection method: clinical testing. Allele origin: germline. Inheritance: Autosomal dominant inheritance. Observed: 27 variant alleles. Not counted in ClinVar's aggregate classification.
Comment: The p.Ser358Leu variant in TMEM43 has been reported in >20 families with ARVC (a t least 15 from Newfoundland), including 1 de novo occurrence and segregated wit h disease in >20 affected relatives from these families (Merner 2008, Christense n 2011, Baskin 2013, Hodgkinson 2013, Milting 2014). It was absent from large po pulation studies. In summary, this variant meets criteria to be classified as pa thogenic for autosomal dominant ARVC. ACMG/AMP Criteria applied: PS4, PP1_Strong , PM2, PM6, PP3.

OMIM
Classification: Pathogenic for ARRHYTHMOGENIC RIGHT VENTRICULAR DYSPLASIA, FAMILIAL, 5. Last evaluated: 2013-11-01. Review status: no assertion criteria provided. Collection method: literature only. Allele origin: germline. Not counted in ClinVar's aggregate classification.

GeneReviews
No classification provided. Condition: Arrhythmogenic right ventricular dysplasia 5. Review status: no classification provided. Collection method: literature only. Allele origin: germline. Not counted in ClinVar's aggregate classification.

Molecular Diagnostic Laboratory for Inherited Cardiovascular Disease, Montreal Heart Institute
Classification: Pathogenic. Last evaluated: 2016-06-26. Review status: flagged submission. Criteria: ACMG Guidelines, 2015. Collection method: clinical testing. Allele origin: germline. Affected: yes. Not counted in ClinVar's aggregate classification.
ClinVar note: Reason: This record appears to be redundant with a more recent record from the same submitter.
ClinVar note: Notes: SCV000740428 appears to be redundant with SCV000987538.

Literature cited by the submitters: PubMed 18313022 (cited by 11 submitters); PubMed 21214875 (cited by 9 submitters); PubMed 22725725 (cited by 7 submitters); PubMed 23810883 (cited by 3 submitters); PubMed 23812740 (cited by 11 submitters); PubMed 24598986 (cited by 8 submitters); PubMed 25343256 (cited by 8 submitters); PubMed 26513349 (cited by 3 submitters); PubMed 28491673 (cited by 3 submitters); PubMed 29980933 (cited by Color Diagnostics, LLC DBA Color Health and Agnes Ginges Centre for Molecular Cardiology, Centenary Institute); PubMed 30700137 (cited by Color Diagnostics, LLC DBA Color Health and Agnes Ginges Centre for Molecular Cardiology, Centenary Institute); PubMed 20010364 (cited by Ambry Genetics); PubMed 22458570 (cited by 4 submitters); PubMed 23671136 (cited by Ambry Genetics and Agnes Ginges Centre for Molecular Cardiology, Centenary Institute); PubMed 24125834 (cited by Ambry Genetics and Agnes Ginges Centre for Molecular Cardiology, Centenary Institute); PubMed 19467449 (cited by Loeys Lab, Universiteit Antwerpen); PubMed 29040414 (cited by Agnes Ginges Centre for Molecular Cardiology, Centenary Institute).